The following is an entry in ClinVar:

ClinVar aggregate classification (germline): Uncertain significance. Review status: criteria provided, multiple submitters, no conflicts (2 of 4 stars). 2 submissions from 2 submitters: Uncertain significance (2). Last evaluated 2024-11-21.

Conditions:
Inborn genetic diseases. Identifiers: MedGen C0950123, MeSH D030342.

Allele frequency attached by ClinVar (database versions not stated): gnomAD exomes below 0.00001; ExAC 0.00001.
gnomAD v4.1: 7 of 1,612,726 alleles (0.00043%); highest among the groups gnomAD compares: African/African-American, 0.0093%; no homozygotes.

Submissions (2):

Ambry Genetics
Classification: Uncertain significance for Inborn genetic diseases. Last evaluated: 2024-11-21. Review status: criteria provided, single submitter. Criteria: Ambry Variant Classification Scheme 2023. Collection method: clinical testing. Allele origin: germline.

Labcorp Genetics (formerly Invitae), Labcorp
Classification: Uncertain significance. Last evaluated: 2022-09-12. Review status: criteria provided, single submitter. Criteria: Invitae Variant Classification Sherloc (09022015). Collection method: clinical testing. Allele origin: germline.
Comment: This variant has not been reported in the literature in individuals affected with NBAS-related conditions. This sequence change replaces cysteine, which is neutral and slightly polar, with arginine, which is basic and polar, at codon 1199 of the NBAS protein (p.Cys1199Arg). This variant is present in population databases (rs779982692, gnomAD 0.007%). Advanced modeling of protein sequence and biophysical properties (such as structural, functional, and spatial information, amino acid conservation, physicochemical variation, residue mobility, and thermodynamic stability) performed at Invitae indicates that this missense variant is not expected to disrupt NBAS protein function. In summary, the available evidence is currently insufficient to determine the role of this variant in disease. Therefore, it has been classified as a Variant of Uncertain Significance.

NM_015909.4(NBAS):c.3595T>C (p.Cys1199Arg)

Gene: NBAS (NBAS subunit of NRZ tethering complex; minus strand). Cytogenetic location: 2p24.3.
Variant type: single nucleotide variant.
Coding change: c.3595T>C on transcript NM_015909.4 (MANE Select); coding-DNA position 3595, T replaced by C.
Protein change: p.Cys1199Arg; replaces cysteine 1199 with arginine.
Molecular consequence: missense variant. On other transcripts: non-coding transcript variant (1).
Genome position (GRCh38, 1-based): chr2:15,374,716, A>G on the plus strand (T>C on the coding strand, the complement: NBAS is on the minus strand). VCF-style: chr2-15374716-A-G. GRCh37 (hg19) VCF-style: chr2-15514840-A-G.
Other names: c.3595T>C (NM_015909.2); short protein forms C1199R.
Identifiers: ClinVar variation 1951496 (VCV001951496.5), dbSNP rs779982692, ClinGen allele CA1535979.